The following is an entry in ClinVar:

ClinVar aggregate classification (germline): Benign. Review status: criteria provided, multiple submitters, no conflicts (2 of 4 stars). 4 submissions from 4 submitters: Benign (4). Last evaluated 2026-02-03.

Conditions:
Retinal dystrophy. Also called: Inherited retinal dystrophy. Identifiers: Orphanet 71862, MedGen C0854723, MeSH D058499, MONDO:0019118, HP:0000556.

Allele frequency attached by ClinVar (database versions not stated): 1000 Genomes Project 0.03235; 1000 Genomes Project 30x 0.03435; ESP Exome Variant Server 0.04606; gnomAD 0.04729 and 0.04754; TOPMed 0.05286; ExAC 0.05438; gnomAD exomes 0.05734 and 0.06194.
gnomAD v4.1: 97,244 of 1,612,816 alleles (6%); highest among the groups gnomAD compares: Admixed American, 12%; 3,426 homozygotes.

Submissions (4):

Labcorp Genetics (formerly Invitae), Labcorp
Classification: Benign. Last evaluated: 2026-02-03. Review status: criteria provided, single submitter. Criteria: Invitae Variant Classification Sherloc (09022015). Collection method: clinical testing. Allele origin: germline.

Dept Of Ophthalmology, Nagoya University
Classification: Benign for Retinal dystrophy. Last evaluated: 2023-10-01. Review status: criteria provided, single submitter. Criteria: Submitter's publication. Collection method: research. Allele origin: germline. Affected: yes.

Laboratory for Molecular Medicine, Mass General Brigham Personalized Medicine
Classification: Benign. Last evaluated: 2016-03-28. Review status: criteria provided, single submitter. Criteria: LMM Criteria. Collection method: clinical testing. Allele origin: germline.
Comment: Variant identified in a genome or exome case(s) and assessed due to predicted null impact of the variant or pathogenic assertions in the literature or databases. Disclaimer: This variant has not undergone full assessment. The following are preliminary notes: Frequency

Breakthrough Genomics
Classification: Benign. Review status: criteria provided, single submitter. Criteria: ACMG Guidelines, 2015. Collection method: not provided. Allele origin: germline. Inheritance: Autosomal recessive inheritance. Affected: yes.

NM_002497.4(NEK2):c.15T>G (p.Ala5=)

Genes: NEK2 (NIMA related kinase 2; minus strand), LOC129932452 (ATAC-STARR-seq lymphoblastoid active region 2489; plus strand). Cytogenetic location: 1q32.3.
Variant type: single nucleotide variant.
Coding change: c.15T>G on transcript NM_002497.4 (MANE Select); coding-DNA position 15, T replaced by G.
Protein change: p.Ala5=; no amino-acid change (alanine 5 retained).
Molecular consequence: synonymous variant.
Genome position (GRCh38, 1-based): chr1:211,675,465, A>C on the plus strand (T>G on the coding strand, the complement: NEK2 is on the minus strand). VCF-style: chr1-211675465-A-C. GRCh37 (hg19) VCF-style: chr1-211848807-A-C.
Other names: c.15T>G, p.Ala5= (NM_001204182.2, NM_001204183.2).
Identifiers: ClinVar variation 403229 (VCV000403229.15), dbSNP rs55635245, ClinGen allele CA1381782.